The following is an entry in ClinVar:

ClinVar aggregate classification (germline): Conflicting classifications of pathogenicity. Review status: criteria provided, conflicting classifications (1 of 4 stars). 9 submissions from 9 submitters: Pathogenic (2); Likely pathogenic (3); Uncertain significance (3). 1 of the submissions does not count toward it. Last evaluated 2026-02-01.

Conditions:
Cardiovascular phenotype. Identifiers: MedGen CN230736.
Familial long QT syndrome (RWS). Also called: Congenital long QT syndrome; VENTRICULAR FIBRILLATION WITH PROLONGED QT INTERVAL; Romano-Ward syndrome. Identifiers: Orphanet 768, MedGen C1141890, MONDO:0019171.
Long QT syndrome 5 (LQT5). Identifiers: Orphanet 101016, Orphanet 768, MedGen C1867904, MONDO:0013372, OMIM 613695.
Long QT syndrome (LQTS). Identifiers: MedGen C0023976, MeSH D008133, MONDO:0002442. Disease mechanism: loss of function. Inheritance: Various modes of inheritance.

Allele frequency attached by ClinVar (database versions not stated): gnomAD below 0.00001 and 0.00001; gnomAD exomes 0.00005; TOPMed 0.00008.
gnomAD v4.1: 69 of 1,588,590 alleles (0.0043%); highest among the groups gnomAD compares: African/African-American, 0.012%; no homozygotes.

Submissions (10):

Labcorp Genetics (formerly Invitae), Labcorp
Classification: Likely pathogenic for Long QT syndrome. Last evaluated: 2026-02-01. Review status: criteria provided, single submitter. Criteria: Invitae Variant Classification Sherloc (09022015). Collection method: clinical testing. Allele origin: germline.
Comment: This sequence change replaces arginine, which is basic and polar, with tryptophan, which is neutral and slightly polar, at codon 98 of the KCNE1 protein (p.Arg98Trp). This variant is present in population databases (rs199473362, gnomAD 0.005%). This missense change has been observed in individuals with long QT syndrome or sudden unexpected death (PMID: 10973849, 16922724, 17341399, 21070882, 30530868, 32058015, 34930020). ClinVar contains an entry for this variant (Variation ID: 132676). Invitae Evidence Modeling of protein sequence and biophysical properties (such as structural, functional, and spatial information, amino acid conservation, physicochemical variation, residue mobility, and thermodynamic stability) has been performed for this missense variant. However, the output from this modeling did not meet the statistical confidence thresholds required to predict the impact of this variant on KCNE1 protein function. Experimental studies have shown that this missense change affects KCNE1 function (PMID: 17341399, 19907016, 38816749). In summary, the currently available evidence indicates that the variant is pathogenic, but additional data are needed to prove that conclusively. Therefore, this variant has been classified as Likely Pathogenic.

GeneDx
Classification: Uncertain significance. Last evaluated: 2025-06-10. Review status: criteria provided, single submitter. Criteria: GeneDx Variant Classification Process June 2021. Collection method: clinical testing. Allele origin: germline. Affected: yes.
Comment: In vitro functional studies show a reduction in potassium channel current and abnormal KCNQ1 protein trafficking; however additional studies are needed to validate the functional effect of this variant in vivo (PMID: 19907016, 17341399, 38816749); In silico analysis supports that this missense variant has a deleterious effect on protein structure/function; This variant is associated with the following publications: (PMID: 24710009, 24606995, 10973849, 19862833, 16684966, 23861362, 21070882, 17341399, 16945797, 31447099, 30461122, 30123799, 19907016, 38565666, 38816749, 32058015, 31941373, 29672598, 30530868, 16922724, 29766885, 33077954, 34930020, 29261713)

Dasa
Classification: Likely pathogenic for Long QT syndrome 5. Last evaluated: 2025-06-03. Review status: criteria provided, single submitter. Criteria: DASA Assertion Criteria. Collection method: clinical testing. Allele origin: germline.
Comment: NM_000219.6(KCNE1):c.292C>T (p.Arg98Trp) is a missense variant that results in the substitution of arginine with tryptophan. This variant has been recurrently observed in individuals with KCNE1-related disorders (PMID: 10973849; PMID: 30530868; PMID: 32058015; PMID: 40236191). Functional evidence supports an impact on the gene or gene product (PMID: 10973849; PMID: 30530868; PMID: 32058015; PMID: 40236191). Also, this variant is rare in population databases. Computational evidence supports a deleterious effect. Based on the currently available evidence, this variant is classified as likely pathogenic.

Ambry Genetics
Classification: Likely pathogenic for Cardiovascular phenotype. Last evaluated: 2025-02-11. Review status: criteria provided, single submitter. Criteria: Ambry Variant Classification Scheme 2023. Collection method: clinical testing. Allele origin: germline.
Comment: The p.R98W variant (also known as c.292C>T), located in coding exon 1 of the KCNE1 gene, results from a C to T substitution at nucleotide position 292. The arginine at codon 98 is replaced by tryptophan, an amino acid with dissimilar properties. In long QT syndrome (LQTS) cohorts, this variant has been described in asymptomatic patients, patients with QT interval prolongation, repolarization abnormalities and/or syncope, aborted cardiac arrest, or sudden death on exertion (Splawski I et al. Circulation. 2000;102(10):1178-85; Millat G et al. Clin Genet. 2006;70(3):214-27; Ohno S et al. Heart Rhythm. 2007;4(3):332-40; Skinner JR et al. Heart Rhythm. 2011;8(3):412-9; Garmany R et al. Heart Rhythm. 2020 06;17(6):937-944Roberts JD et al. Circulation. 2020 02;141(6):429-439). In one family with epilepsy and LQTS, this variant did not segregate with disease while a KCNQ1 exon 2 deletion did segregate with disease (Coll M et al. PLoS ONE, 2017 Dec;12:e0189618). In studies using in vitro functional analyses, this variant adversely affected the voltage-gated potassium ion channel, resulting in decreased current amplitude, a positive shift of the voltage dependence of activation threshold, and accelerated channel deactivation (Ohno S et al. Heart Rhythm. 2007;4(3):332-40; Harmer SC et al. Am J Physiol.,Cell Physiol. 2010;298(2):C263-73). This amino acid position is well conserved in available vertebrate species. In addition, this alteration is predicted to be deleterious by in silico analysis. Based on the majority of available evidence to date, this variant is likely to be pathogenic. However, pathogenic and likely pathogenic KCNE1 variants typically exhibit low penetrance in the heterozygous state and may represent risk factors that manifest clinically only in the presence of additional genetic or environmental factors (Roberts JD et al. Circulation. 2020 02;141(6):429-439).

Blueprint Genetics
Classification: Uncertain significance. Last evaluated: 2023-12-04. Review status: criteria provided, single submitter. Criteria: ACMG Guidelines, 2015. Collection method: clinical testing. Allele origin: germline.

Biesecker Lab/Clinical Genomics Section, National Institutes of Health
Classification: Uncertain significance for Long QT syndrome. Last evaluated: 2018-04-05. Review status: criteria provided, single submitter. Criteria: ACMG Guidelines, 2015. Collection method: research. Allele origin: unknown. Affected: no. Observed: 1 variant allele.
Comment: The study set was not selected for affection status in relation to arrhythmia or cardiomyopathy. Pathogenicity categories were based on literature curation. See Pubmed ID:25741868 for details.

Medical sequencing

Human Genome Sequencing Center Clinical Lab, Baylor College of Medicine
Classification: Pathogenic for Long QT syndrome 5. Last evaluated: 2017-07-05. Review status: criteria provided, single submitter. Criteria: ACMG Guidelines, 2015. Collection method: clinical testing. Allele origin: germline.
Comment: This c.292C>T (p.Arg98Trp) variant in the KCNE1 gene has been reported in 6 individuals and one family from a cohort of 262 patients with long QT [PMID 10973849] and additional patients [PMID 16922724, 17341399]. Segregation of the variant with the disorder was observed in one additional family of 7 individuals, 2 of which were carrier for this variant [PMID 21070882]. Functional assays showed a modest effect of the variant on trafficking and current density [PMID 17341399]. This variant was reported in 2 heterozygous individuals from Europe and East-Asia. Arginine at amino acid position 98 of the KCNE1 protein is highly conserved in mammals. While not validated for clinical use, computer-based algorithms SIFT and Polyphen-2 predict this p.Arg98Trp change to be deleterious. This variant thus classified as pathogenic.

CeGaT Center for Human Genetics Tuebingen
Classification: Pathogenic. Last evaluated: 2017-03-01. Review status: criteria provided, single submitter. Criteria: CeGaT Center For Human Genetics Tuebingen Variant Classification Criteria Version 2. Collection method: clinical testing. Allele origin: germline. Affected: yes. Observed: 1 variant allele.

Cardiovascular Biomedical Research Unit, Royal Brompton & Harefield NHS Foundation Trust
No classification provided. Condition: Familial long QT syndrome. Review status: no classification provided. Collection method: literature only. Allele origin: germline. Not counted in ClinVar's aggregate classification.
Comment: This variant has been reported as associated with Long QT syndrome in the following publications (PMID:10973849;PMID:16922724;PMID:19907016). This is a literature report, and does not necessarily reflect the clinical interpretation of the Imperial College / Royal Brompton Cardiovascular Genetics laboratory.

Roden Lab, Vanderbilt University Medical Center
No classification provided (evidence only). Condition: Long QT syndrome 5. Review status: no classification provided. Collection method: in vitro. Allele origin: not applicable. Functional consequence: Effect on ion channel function. Not counted in ClinVar's aggregate classification.
ClinVar note: "not provided" was previously submitted as the classification for the variant. However, the classification appeared to be based only on an observation of functional data so it was converted to no classification on 2025-07-30.

Literature cited by the submitters: PubMed 10973849 (cited by 4 submitters); PubMed 16922724 (cited by 3 submitters); PubMed 17341399 (cited by Labcorp Genetics (formerly Invitae), Labcorp and Ambry Genetics); PubMed 21070882 (cited by Labcorp Genetics (formerly Invitae), Labcorp and Ambry Genetics); PubMed 30530868 (cited by 3 submitters); PubMed 32058015 (cited by 3 submitters); PubMed 34930020 (cited by Labcorp Genetics (formerly Invitae), Labcorp); PubMed 19907016 (cited by 3 submitters); PubMed 38816749 (cited by Labcorp Genetics (formerly Invitae), Labcorp and Ambry Genetics); PubMed 40236191 (cited by Dasa); PubMed 23861362 (cited by Ambry Genetics); PubMed 25637381 (cited by Ambry Genetics); PubMed 29261713 (cited by Ambry Genetics); PubMed 29672598 (cited by Ambry Genetics); PubMed 29766885 (cited by Ambry Genetics); PubMed 31447099 (cited by Ambry Genetics); PubMed 31941373 (cited by Ambry Genetics); PubMed 22581653 (cited by Cardiovascular Biomedical Research Unit, Royal Brompton & Harefield NHS Foundation Trust).

NM_000219.6(KCNE1):c.292C>T (p.Arg98Trp)

Gene: KCNE1 (potassium voltage-gated channel subfamily E regulatory subunit 1; minus strand). Cytogenetic location: 21q22.12.
Variant type: single nucleotide variant.
Coding change: c.292C>T on transcript NM_000219.6 (MANE Select); coding-DNA position 292, C replaced by T.
Protein change: p.Arg98Trp; replaces arginine 98 with tryptophan.
Molecular consequence: missense variant.
Genome position (GRCh38, 1-based): chr21:34,449,343, G>A on the plus strand (C>T on the coding strand, the complement: KCNE1 is on the minus strand). VCF-style: chr21-34449343-G-A. GRCh37 (hg19) VCF-style: chr21-35821641-G-A.
Other names: c.292C>T (LRG_290t1); c.292C>T, p.Arg98Trp (NM_001127668.4, NM_001127669.4, NM_001127670.4 and 4 more transcripts); short protein forms R98W.
Identifiers: ClinVar variation 132676 (VCV000132676.63), dbSNP rs199473362, ClinGen allele CA199783.
Genomic context (GRCh38, chr21:34,449,343, plus strand): 5'-GTTGTTCTATGGCCAGATGGTTTTCAACGACATAGCACGACCTGTAGCTCTCCAGGACCC[G>A]GGCCTGGACATAGGCCTTGTCCTTCTCTTGCCAGGCATCGGACTCGATGTAGACGTTGAA-3'
Protein context (NP_000210.2, residues 88-108): QEKDKAYVQA[Arg98Trp]VLESYRSCYV